The following is an entry in ClinVar:

ClinVar aggregate classification (germline): Uncertain significance (1 of 4 stars; one submission).

Conditions:
Hereditary cancer-predisposing syndrome. Also called: Tumor predisposition; Hereditary Cancer Syndrome; Neoplastic Syndromes, Hereditary; Hereditary neoplastic syndrome. Identifiers: Orphanet 140162, MedGen C0027672, MeSH D009386, MONDO:0015356.

Submission:

Ambry Genetics
Classification: Uncertain significance for Hereditary cancer-predisposing syndrome. Last evaluated: 2018-11-02. Review status: criteria provided, single submitter. Criteria: Ambry Variant Classification Scheme 2023. Collection method: clinical testing. Allele origin: germline.
Comment: The p.D99Y variant (also known as c.295G>T), located in coding exon 3 of the BRIP1 gene, results from a G to T substitution at nucleotide position 295. The aspartic acid at codon 99 is replaced by tyrosine, an amino acid with highly dissimilar properties. This amino acid position is well conserved in available vertebrate species. In addition, the in silico prediction for this alteration is inconclusive. Since supporting evidence is limited at this time, the clinical significance of this alteration remains unclear.

NM_032043.3(BRIP1):c.295G>T (p.Asp99Tyr)

Gene: BRIP1 (BRCA1 interacting DNA helicase 1; minus strand). Cytogenetic location: 17q23.2.
Variant type: single nucleotide variant.
Coding change: c.295G>T on transcript NM_032043.3 (MANE Select); coding-DNA position 295, G replaced by T.
Protein change: p.Asp99Tyr; replaces aspartic acid 99 with tyrosine.
Molecular consequence: missense variant.
Genome position (GRCh38, 1-based): chr17:61,857,142, C>A on the plus strand (G>T on the coding strand, the complement: BRIP1 is on the minus strand). VCF-style: chr17-61857142-C-A. GRCh37 (hg19) VCF-style: chr17-59934503-C-A.
Other names: short protein forms D99Y.
Identifiers: ClinVar variation 822368 (VCV000822368.4), dbSNP rs1603366321, ClinGen allele CA400485430.